The following is an entry in ClinVar:

NM_133433.4(NIPBL):c.4321G>T (p.Val1441Leu)

Gene: NIPBL (NIPBL cohesin loading factor; plus strand). Cytogenetic location: 5p13.2.
Variant type: single nucleotide variant.
Coding change: c.4321G>T on transcript NM_133433.4 (MANE Select); coding-DNA position 4321, G replaced by T.
Protein change: p.Val1441Leu; replaces valine 1441 with leucine.
Molecular consequence: missense variant.
Genome position (GRCh38, 1-based): chr5:37,008,623, G>T. VCF-style: chr5-37008623-G-T. GRCh37 (hg19) VCF-style: chr5-37008725-G-T.
Other names: c.4321G>T, p.Val1441Leu (NM_015384.5); short protein forms V1441L.
Identifiers: ClinVar variation 180193 (VCV000180193.16), dbSNP rs727503769, ClinGen allele CA333581.

ClinVar aggregate classification (germline): Pathogenic. Review status: criteria provided, multiple submitters, no conflicts (2 of 4 stars). 5 submissions from 5 submitters: Pathogenic (4). 1 of the submissions does not count toward it. Last evaluated 2021-07-15.

Conditions:
Cornelia de Lange syndrome 1 (CDLS1). Also called: Brachmann de Lange syndrome; NIPBL-Related Cornelia de Lange Syndrome; TYPUS DEGENERATIVUS AMSTELODAMENSIS. Identifiers: Orphanet 199, MedGen C4551851, MONDO:0007387, OMIM 122470.

Submissions (5):

Genome-Nilou Lab
Classification: Pathogenic for Cornelia de Lange syndrome 1. Last evaluated: 2021-07-15. Review status: criteria provided, single submitter. Criteria: ACMG Guidelines, 2015. Collection method: clinical testing. Allele origin: germline. Affected: no.

Revvity Omics, Revvity
Classification: Pathogenic for Cornelia de Lange syndrome 1. Last evaluated: 2021-05-21. Review status: criteria provided, single submitter. Criteria: ACMG Guidelines, 2015. Collection method: clinical testing. Allele origin: germline.

Labcorp Genetics (formerly Invitae), Labcorp
Classification: Pathogenic for Cornelia de Lange syndrome 1. Last evaluated: 2017-02-07. Review status: criteria provided, single submitter. Criteria: Invitae Variant Classification Sherloc (09022015). Collection method: clinical testing. Allele origin: germline.
Comment: For these reasons, this variant has been classified as Pathogenic. An experimental study has shown that this missense change alters RNA splicing, producing both a normal-length transcript that contains this missense change and a minor transcript that skips exon 20 and results in a frameshift (PMID: 20358602). This variant has been reported in many individuals affected with Cornelia de Lange syndrome (PMID: 24038889, 22857006, 25574841, 23254390, 24145515, 20358602). In several of these individuals, the variant arose de novo. ClinVar contains an entry for this variant (Variation ID: 180193). This variant is not present in population databases (rs727503769, ExAC no frequency). This sequence change replaces valine with leucine at codon 1441 of the NIPBL protein (p.Val1441Leu). The valine residue is moderately conserved and there is a small physicochemical difference between valine and leucine.

Eurofins Ntd Llc (ga)
Classification: Pathogenic. Last evaluated: 2016-08-18. Review status: criteria provided, single submitter. Criteria: EGL Classification Definitions 2015. Collection method: clinical testing. Allele origin: germline. Observed: 1 variant allele, 1 heterozygote.

Lupski Lab, Baylor-Hopkins CMG, Baylor College of Medicine
Classification: Pathogenic for Cornelia de Lange Syndrome 1 (CdLS1). Last evaluated: 2014-12-02. Review status: no assertion criteria provided. Collection method: research. Allele origin: de novo. Affected: yes. Observed: 1 heterozygote. Not counted in ClinVar's aggregate classification.

Literature cited by the submitters: PubMed 20358602 (cited by Labcorp Genetics (formerly Invitae), Labcorp and Eurofins Ntd Llc (ga)); PubMed 24038889 (cited by Labcorp Genetics (formerly Invitae), Labcorp and Eurofins Ntd Llc (ga)); PubMed 22857006 (cited by Labcorp Genetics (formerly Invitae), Labcorp and Eurofins Ntd Llc (ga)); PubMed 25574841 (cited by 3 submitters); PubMed 23254390 (cited by Labcorp Genetics (formerly Invitae), Labcorp and Eurofins Ntd Llc (ga)); PubMed 24145515 (cited by Labcorp Genetics (formerly Invitae), Labcorp).